The following is an entry in ClinVar:

NM_000719.7(CACNA1C):c.6272A>T (p.Asn2091Ile)

Genes: CACNA1C (calcium voltage-gated channel subunit alpha1 C; plus strand), CACNA1C-AS1 (CACNA1C antisense RNA 1; minus strand). Cytogenetic location: 12p13.33.
Variant type: single nucleotide variant.
Coding change: c.6272A>T on transcript NM_000719.7 (MANE Select); coding-DNA position 6272, A replaced by T.
Protein change: p.Asn2091Ile; replaces asparagine 2091 with isoleucine.
Molecular consequence: missense variant.
Genome position (GRCh38, 1-based): chr12:2,691,054, A>T. VCF-style: chr12-2691054-A-T. GRCh37 (hg19) VCF-style: chr12-2800220-A-T.
Other names: c.6416A>T, p.Asn2139Ile (NM_001129827.2); c.6395A>T, p.Asn2132Ile (NM_001129829.2); c.6377A>T, p.Asn2126Ile (NM_001129830.3, NM_001167624.3); c.6356A>T, p.Asn2119Ile (NM_001129831.2); c.6332A>T, p.Asn2111Ile (NM_001129832.2); c.6329A>T, p.Asn2110Ile (NM_001129833.2, NM_001129834.2, NM_001129835.2); c.6323A>T, p.Asn2108Ile (NM_001129836.2); c.6296A>T, p.Asn2099Ile (NM_001129837.2, NM_001129838.2); and 6 more; short protein forms N2080I, N2111I, N2174I, N2097I, N2110I, N2139I, N2091I, N2108I.
Identifiers: ClinVar variation 5033580 (VCV005033580.1).
Genomic context (GRCh38, chr12:2,691,054, plus strand): 5'-TAGAGGAGATGGAGAGCGCGGCCGACAACATCCTCAGCGGGGGCGCCCCACAGAGCCCCA[A>T]TGGCGCCCTCTTACCCTTTGTGAACTGCAGGGACGCGGGGCAGGACCGAGCCGGGGGCGA-3'
Protein context (NP_000710.5, residues 2081-2101): ILSGGAPQSP[Asn2091Ile]GALLPFVNCR

ClinVar aggregate classification (germline): Uncertain significance (1 of 4 stars; one submission).

Conditions:
Cardiovascular phenotype. Identifiers: MedGen CN230736.

Submission:

Ambry Genetics
Classification: Uncertain significance for Cardiovascular phenotype. Last evaluated: 2026-07-31. Review status: criteria provided, single submitter. Criteria: Ambry Variant Classification Scheme 2023. Collection method: clinical testing. Allele origin: germline.
Comment: The p.N2091I variant (also known as c.6272A>T), located in coding exon 47 of the CACNA1C gene, results from an A to T substitution at nucleotide position 6272. The asparagine at codon 2091 is replaced by isoleucine, an amino acid with dissimilar properties. This amino acid position is conserved. In addition, this alteration is predicted to be tolerated by in silico analysis. Based on the available evidence, the clinical significance of this variant remains unclear.